The following is an entry in ClinVar:

NM_025099.6(CTC1):c.1211A>G (p.Gln404Arg)

Gene: CTC1 (CST telomere replication complex component 1; minus strand). Cytogenetic location: 17p13.1.
Variant type: single nucleotide variant.
Coding change: c.1211A>G on transcript NM_025099.6 (MANE Select); coding-DNA position 1211, A replaced by G.
Protein change: p.Gln404Arg; replaces glutamine 404 with arginine.
Molecular consequence: missense variant. On other transcripts: non-coding transcript variant (1).
Genome position (GRCh38, 1-based): chr17:8,235,281, T>C on the plus strand (A>G on the coding strand, the complement: CTC1 is on the minus strand). VCF-style: chr17-8235281-T-C. GRCh37 (hg19) VCF-style: chr17-8138599-T-C.
Other names: c.1211A>G, p.Gln404Arg (NM_001411067.1); short protein forms Q404R.
Identifiers: ClinVar variation 2182699 (VCV002182699.3), dbSNP rs767576648, ClinGen allele CA8372417.

ClinVar aggregate classification (germline): Uncertain significance (1 of 4 stars; one submission).

Conditions:
Dyskeratosis congenita. Identifiers: Orphanet 1775, MedGen C0265965, MONDO:0015780.

Allele frequency attached by ClinVar (database versions not stated): ExAC 0.00001; TOPMed 0.00001.
gnomAD v4.1: 1 of 1,611,402 alleles (0.000062%); highest among the groups gnomAD compares: African/African-American, 0.0013%; no homozygotes.

Submission:

Labcorp Genetics (formerly Invitae), Labcorp
Classification: Uncertain significance for Dyskeratosis congenita. Last evaluated: 2022-07-27. Review status: criteria provided, single submitter. Criteria: Invitae Variant Classification Sherloc (09022015). Collection method: clinical testing. Allele origin: germline.
Comment: In summary, the available evidence is currently insufficient to determine the role of this variant in disease. Therefore, it has been classified as a Variant of Uncertain Significance. Algorithms developed to predict the effect of missense changes on protein structure and function output the following: SIFT: "Tolerated"; PolyPhen-2: "Benign"; Align-GVGD: "Class C0". The arginine amino acid residue is found in multiple mammalian species, which suggests that this missense change does not adversely affect protein function. This variant has not been reported in the literature in individuals affected with CTC1-related conditions. This variant is present in population databases (rs767576648, gnomAD 0.01%). This sequence change replaces glutamine, which is neutral and polar, with arginine, which is basic and polar, at codon 404 of the CTC1 protein (p.Gln404Arg).